The following is an entry in ClinVar:

ClinVar aggregate classification (germline): Uncertain significance (1 of 4 stars; one submission).

Submission:

GeneDx
Classification: Uncertain significance. Last evaluated: 2021-01-12. Review status: criteria provided, single submitter. Criteria: GeneDx Variant Classification Process June 2021. Collection method: clinical testing. Allele origin: germline. Affected: yes.
Comment: Not observed in large population cohorts (Lek et al., 2016); In silico analysis supports that this missense variant has a deleterious effect on protein structure/function; Has not been previously published as pathogenic or benign to our knowledge

NM_006946.4(SPTBN2):c.3979G>A (p.Ala1327Thr)

Gene: SPTBN2 (spectrin beta, non-erythrocytic 2; minus strand). Cytogenetic location: 11q13.2.
Variant type: single nucleotide variant.
Coding change: c.3979G>A on transcript NM_006946.4 (MANE Select); coding-DNA position 3979, G replaced by A.
Protein change: p.Ala1327Thr; replaces alanine 1327 with threonine.
Molecular consequence: missense variant.
Genome position (GRCh38, 1-based): chr11:66,698,674, C>T on the plus strand (G>A on the coding strand, the complement: SPTBN2 is on the minus strand). VCF-style: chr11-66698674-C-T. GRCh37 (hg19) VCF-style: chr11-66466145-C-T.
Other names: short protein forms A1327T.
Identifiers: ClinVar variation 1313965 (VCV001313965.2), dbSNP rs2135397129, ClinGen allele CA381471304.
Genomic context (GRCh38, chr11:66,698,674, plus strand): 5'-AGGCAGCCCCCACAGCACTGCTCACCTTGTCCACCTTGTCCAGCCAGTCTTTGTTGGCAG[C>T]CAGCTCGGCCATGAATGCCTGGTGCTTCTGCCACTTAGTATGCAGGTTGCGGGCCTCGTC-3'
Protein context (NP_008877.2, residues 1317-1337): QKHQAFMAEL[Ala1327Thr]ANKDWLDKVD